The following is an entry in ClinVar:

NM_021619.3(PRDM12):c.563_564insTGATCGGCACCAGCATCTTCTACAAGGC (p.Ile189fs)

Gene: PRDM12 (PR/SET domain 12; plus strand). Cytogenetic location: 9q34.12.
Variant type: Insertion.
Coding change: c.563_564insTGATCGGCACCAGCATCTTCTACAAGGC on transcript NM_021619.3 (MANE Select); coding-DNA positions 563 to 564, TGATCGGCACCAGCATCTTCTACAAGGC inserted.
Protein change: p.Ile189fs; shifts the reading frame from isoleucine 189.
Molecular consequence: frameshift variant.
Genome position: GRCh38 VCF-style: chr9-130668279-A-AGATCGGCACCAGCATCTTCTACAAGGCT. GRCh37 (hg19) VCF-style: chr9-133543666-A-AGATCGGCACCAGCATCTTCTACAAGGCT.
Other names: short protein forms I189fs.
Identifiers: ClinVar variation 4855324 (VCV004855324.1).

ClinVar aggregate classification (germline): Pathogenic (1 of 4 stars; one submission).

Conditions:
Congenital insensitivity to pain-hypohidrosis syndrome. Also called: HSAN VIII; Neuropathy, hereditary sensory and autonomic, type VIII. Identifiers: Orphanet 478664, MedGen C4225308, MONDO:0014662, OMIM 616488.

Submission:

3billion
Classification: Pathogenic for Congenital insensitivity to pain-hypohidrosis syndrome. Last evaluated: 2025-09-17. Review status: criteria provided, single submitter. Criteria: ACMG Guidelines, 2015. Collection method: clinical testing. Allele origin: germline. Affected: yes.
Comment: The variant is not observed in the gnomAD v4.1.0 dataset. Predicted Consequence/Location: Frameshift: predicted to result in a loss or disruption of normal protein function through nonsense-mediated decay (NMD) or protein truncation. Multiple pathogenic variants are reported downstream of the variant. Therefore, this variant is classified as Pathogenic according to the recommendation of ACMG/AMP guideline.